The following is an entry in ClinVar:

ClinVar aggregate classification (germline): Pathogenic (1 of 4 stars; one submission).

Conditions:
Neurofibromatosis, type 1 (NF1). Also called: VON RECKLINGHAUSEN DISEASE; Peripheral type neurofibromatosis; Neurofibromatosis, type I; NEUROFIBROMATOSIS, TYPE I, SOMATIC. Identifiers: Orphanet 636, MedGen C0027831, MONDO:0018975, OMIM 162200. Disease mechanism: loss of function.

Submission:

Labcorp Genetics (formerly Invitae), Labcorp
Classification: Pathogenic for Neurofibromatosis, type 1. Last evaluated: 2024-10-15. Review status: criteria provided, single submitter. Criteria: Invitae Variant Classification Sherloc (09022015). Collection method: clinical testing. Allele origin: germline.
Comment: This sequence change creates a premature translational stop signal (p.Asp283Valfs*12) in the NF1 gene. It is expected to result in an absent or disrupted protein product. Loss-of-function variants in NF1 are known to be pathogenic (PMID: 10712197, 23913538). This variant is not present in population databases (gnomAD no frequency). This variant has not been reported in the literature in individuals affected with NF1-related conditions. For these reasons, this variant has been classified as Pathogenic.

Literature cited by the submitters: PubMed 10712197; PubMed 23913538.

NM_001042492.3(NF1):c.848del (p.Asp283fs)

Gene: NF1 (neurofibromin 1; plus strand). Cytogenetic location: 17q11.2.
Variant type: Deletion.
Coding change: c.848del on transcript NM_001042492.3 (MANE Select); coding-DNA position 848, one base deleted (A; older notation c.848delA).
Protein change: p.Asp283fs; shifts the reading frame from aspartic acid 283.
Molecular consequence: frameshift variant.
Genome position (GRCh38, 1-based): chr17:31,182,625, A deleted. VCF-style (leftmost placement, unchanged base first): chr17-31182624-GA-G. GRCh37 (hg19) VCF-style: chr17-29509642-GA-G.
Other names: c.848delA, p.Asp283Valfs (NM_000267.4); c.848del, p.Asp283fs (NM_001128147.3); short protein forms D283fs.
Identifiers: ClinVar variation 2825391 (VCV002825391.3), dbSNP rs2544754093, ClinGen allele CA2739267323.